The following is an entry in ClinVar:

ClinVar aggregate classification (germline): Uncertain significance (1 of 4 stars; one submission).

gnomAD v4.1: 25 of 1,613,366 alleles (0.0015%); highest among the groups gnomAD compares: South Asian, 0.0066%; no homozygotes.

Submission:

Labcorp Genetics (formerly Invitae), Labcorp
Classification: Uncertain significance. Last evaluated: 2025-07-15. Review status: criteria provided, single submitter. Criteria: Invitae Variant Classification Sherloc (09022015). Collection method: clinical testing. Allele origin: germline.
Comment: This sequence change replaces arginine, which is basic and polar, with tryptophan, which is neutral and slightly polar, at codon 76 of the DNM1L protein (p.Arg76Trp). This variant is present in population databases (no rsID available, gnomAD 0.01%). This variant has not been reported in the literature in individuals affected with DNM1L-related conditions. ClinVar contains an entry for this variant (Variation ID: 3642031). An algorithm developed to predict the effect of missense changes on protein structure and function (PolyPhen-2) suggests that this variant is likely to be disruptive. In summary, the available evidence is currently insufficient to determine the role of this variant in disease. Therefore, it has been classified as a Variant of Uncertain Significance.

NM_012062.5(DNM1L):c.226C>T (p.Arg76Trp)

Gene: DNM1L (dynamin 1 like; plus strand). Cytogenetic location: 12p11.21.
Variant type: single nucleotide variant.
Coding change: c.226C>T on transcript NM_012062.5 (MANE Select); coding-DNA position 226, C replaced by T.
Protein change: p.Arg76Trp; replaces arginine 76 with tryptophan.
Molecular consequence: missense variant. On other transcripts: synonymous variant (1).
Genome position (GRCh38, 1-based): chr12:32,701,538, C>T. VCF-style: chr12-32701538-C-T. GRCh37 (hg19) VCF-style: chr12-32854472-C-T.
Other names: c.226C>T, p.Arg76Trp (NM_001278463.2, NM_001278464.2, NM_001278465.2 and 3 more transcripts); c.21C>T, p.Asn7= (NM_001278466.2); short protein forms R76W.
Identifiers: ClinVar variation 3642031 (VCV003642031.2).
Genomic context (GRCh38, chr12:32,701,538, plus strand): 5'-GGAATTGTCACCCGGAGACCTCTCATTCTGCAACTGGTCCATGTTTCACAAGAAGATAAA[C>T]GGAAAACAACAGGAGAAGAAAATGGTAAATTTCAGATTTGAGATAATTATTTTACAGCTC-3'
Protein context (NP_036192.2, residues 66-86): QLVHVSQEDK[Arg76Trp]KTTGEENGVE